The following is an entry in ClinVar:

ClinVar aggregate classification (germline): Uncertain significance. Review status: criteria provided, multiple submitters, no conflicts (2 of 4 stars). 2 submissions from 2 submitters: Uncertain significance (2). Last evaluated 2024-08-05.

Allele frequency attached by ClinVar (database versions not stated): gnomAD exomes 0.00003; gnomAD 0.00005 and 0.00006.

Submissions (2):

Ambry Genetics
Classification: Uncertain significance. Last evaluated: 2024-08-05. Review status: criteria provided, single submitter. Criteria: Ambry Variant Classification Scheme 2023. Collection method: clinical testing. Allele origin: germline.

Labcorp Genetics (formerly Invitae), Labcorp
Classification: Uncertain significance. Last evaluated: 2023-12-22. Review status: criteria provided, single submitter. Criteria: Invitae Variant Classification Sherloc (09022015). Collection method: clinical testing. Allele origin: germline.
Comment: This sequence change replaces valine, which is neutral and non-polar, with isoleucine, which is neutral and non-polar, at codon 383 of the KPNA7 protein (p.Val383Ile). This variant is present in population databases (rs760540560, gnomAD 0.007%). This variant has not been reported in the literature in individuals affected with KPNA7-related conditions. ClinVar contains an entry for this variant (Variation ID: 1349181). Advanced modeling of protein sequence and biophysical properties (such as structural, functional, and spatial information, amino acid conservation, physicochemical variation, residue mobility, and thermodynamic stability) performed at Invitae indicates that this missense variant is not expected to disrupt KPNA7 protein function with a negative predictive value of 80%. In summary, the available evidence is currently insufficient to determine the role of this variant in disease. Therefore, it has been classified as a Variant of Uncertain Significance.

NM_001145715.3(KPNA7):c.1147G>A (p.Val383Ile)

Gene: KPNA7 (karyopherin subunit alpha 7; minus strand). Cytogenetic location: 7q22.1.
Variant type: single nucleotide variant.
Coding change: c.1147G>A on transcript NM_001145715.3 (MANE Select); coding-DNA position 1147, G replaced by A.
Protein change: p.Val383Ile; replaces valine 383 with isoleucine.
Molecular consequence: missense variant.
Genome position (GRCh38, 1-based): chr7:99,182,053, C>T on the plus strand (G>A on the coding strand, the complement: KPNA7 is on the minus strand). VCF-style: chr7-99182053-C-T. GRCh37 (hg19) VCF-style: chr7-98779676-C-T.
Other names: c.1147G>A (NM_001145715.1); short protein forms V383I.
Identifiers: ClinVar variation 1349181 (VCV001349181.7), dbSNP rs760540560, ClinGen allele CA163744993.